The following is an entry in ClinVar:

NM_000064.4(C3):c.4887G>C (p.Glu1629Asp)

Gene: C3 (complement C3; minus strand). Cytogenetic location: 19p13.3.
Variant type: single nucleotide variant.
Coding change: c.4887G>C on transcript NM_000064.4 (MANE Select); coding-DNA position 4887, G replaced by C.
Protein change: p.Glu1629Asp; replaces glutamic acid 1629 with aspartic acid.
Molecular consequence: missense variant.
Genome position (GRCh38, 1-based): chr19:6,677,987, C>G on the plus strand (G>C on the coding strand, the complement: C3 is on the minus strand). VCF-style: chr19-6677987-C-G. GRCh37 (hg19) VCF-style: chr19-6677998-C-G.
Other names: short protein forms E1629D.
Identifiers: ClinVar variation 2986047 (VCV002986047.4), dbSNP rs200816772, ClinGen allele CA9128204.

ClinVar aggregate classification (germline): Uncertain significance. Review status: criteria provided, multiple submitters, no conflicts (2 of 4 stars). 2 submissions from 2 submitters: Uncertain significance (2). Last evaluated 2025-08-02.

Conditions:
Atypical hemolytic-uremic syndrome with C3 anomaly. Also called: AHUS, SUSCEPTIBILITY TO, 5. Identifiers: Orphanet 2134, MedGen C2752037, MONDO:0013043, OMIM 612925.
Complement component 3 deficiency. Identifiers: Orphanet 280133, MedGen C3151071, MONDO:0013417, OMIM 613779.
Age related macular degeneration 9. Identifiers: MedGen C1969651, MONDO:0012659, OMIM 611378.

Allele frequency attached by ClinVar (database versions not stated): gnomAD 0.00002; TOPMed 0.00003; ExAC 0.00006; 1000 Genomes Project 0.00020; 1000 Genomes Project 30x 0.00031.
gnomAD v4.1: 11 of 1,614,154 alleles (0.00068%); highest among the groups gnomAD compares: East Asian, 0.025%; no homozygotes.

Submissions (2):

Labcorp Genetics (formerly Invitae), Labcorp
Classification: Uncertain significance. Last evaluated: 2025-08-02. Review status: criteria provided, single submitter. Criteria: Invitae Variant Classification Sherloc (09022015). Collection method: clinical testing. Allele origin: germline.
Comment: This sequence change replaces glutamic acid, which is acidic and polar, with aspartic acid, which is acidic and polar, at codon 1629 of the C3 protein (p.Glu1629Asp). This variant is present in population databases (rs200816772, gnomAD 0.07%). This missense change has been observed in individual(s) with hemolytic uremic syndrome (PMID: 36964972). ClinVar contains an entry for this variant (Variation ID: 2986047). Invitae Evidence Modeling of protein sequence and biophysical properties (such as structural, functional, and spatial information, amino acid conservation, physicochemical variation, residue mobility, and thermodynamic stability) indicates that this missense variant is expected to disrupt C3 protein function with a positive predictive value of 80%. In summary, the available evidence is currently insufficient to determine the role of this variant in disease. Therefore, it has been classified as a Variant of Uncertain Significance.

Fulgent Genetics
Classification: Uncertain significance for Age related macular degeneration 9; Atypical hemolytic-uremic syndrome with C3 anomaly; Complement component 3 deficiency. Last evaluated: 2024-03-05. Review status: criteria provided, single submitter. Criteria: ACMG Guidelines, 2015. Collection method: clinical testing. Allele origin: germline.

Literature cited by the submitters: PubMed 36964972 (cited by Labcorp Genetics (formerly Invitae), Labcorp).